The following is an entry in ClinVar:

NM_002907.4(RECQL):c.736C>G (p.Pro246Ala)

Gene: RECQL (RecQ like helicase; minus strand). Cytogenetic location: 12p12.1.
Variant type: single nucleotide variant.
Coding change: c.736C>G on transcript NM_002907.4 (MANE Select); coding-DNA position 736, C replaced by G.
Protein change: p.Pro246Ala; replaces proline 246 with alanine.
Molecular consequence: missense variant.
Genome position (GRCh38, 1-based): chr12:21,477,934, G>C on the plus strand (C>G on the coding strand, the complement: RECQL is on the minus strand). VCF-style: chr12-21477934-G-C. GRCh37 (hg19) VCF-style: chr12-21630868-G-C.
Other names: c.736C>G, p.Pro246Ala (NM_032941.3); short protein forms P246A.
Identifiers: ClinVar variation 1758551 (VCV001758551.2), dbSNP rs544551114, ClinGen allele CA6478982.

ClinVar aggregate classification (germline): Uncertain significance (1 of 4 stars; one submission).

Allele frequency attached by ClinVar (database versions not stated): gnomAD exomes below 0.00001; ExAC 0.00001; gnomAD 0.00003.
gnomAD v4.1: 10 of 1,611,160 alleles (0.00062%); highest among the groups gnomAD compares: East Asian, 0.0067%; no homozygotes.

Submission:

Ambry Genetics
Classification: Uncertain significance. Last evaluated: 2023-12-23. Review status: criteria provided, single submitter. Criteria: Ambry Variant Classification Scheme 2023. Collection method: clinical testing. Allele origin: germline.
Comment: The p.P246A variant (also known as c.736C>G), located in coding exon 6 of the RECQL gene, results from a C to G substitution at nucleotide position 736. The proline at codon 246 is replaced by alanine, an amino acid with highly similar properties. This amino acid position is highly conserved in available vertebrate species. In addition, the in silico prediction for this alteration is inconclusive. Since supporting evidence is limited at this time, the clinical significance of this alteration remains unclear.